The following is an entry in ClinVar:

ClinVar aggregate classification (germline): Uncertain significance. Review status: criteria provided, multiple submitters, no conflicts (2 of 4 stars). 2 submissions from 2 submitters: Uncertain significance (2). Last evaluated 2024-10-30.

Allele frequency attached by ClinVar (database versions not stated): gnomAD exomes below 0.00001; gnomAD 0.00001; TOPMed 0.00001; ExAC 0.00002.
gnomAD v4.1: 4 of 1,608,346 alleles (0.00025%); highest among the groups gnomAD compares: East Asian, 0.0022%; no homozygotes.

Submissions (2):

Labcorp Genetics (formerly Invitae), Labcorp
Classification: Uncertain significance. Last evaluated: 2024-10-30. Review status: criteria provided, single submitter. Criteria: Invitae Variant Classification Sherloc (09022015). Collection method: clinical testing. Allele origin: germline.
Comment: This sequence change replaces arginine, which is basic and polar, with tryptophan, which is neutral and slightly polar, at codon 32 of the POMP protein (p.Arg32Trp). This variant is present in population databases (rs770153653, gnomAD 0.003%). This variant has not been reported in the literature in individuals affected with POMP-related conditions. ClinVar contains an entry for this variant (Variation ID: 2975427). An algorithm developed to predict the effect of missense changes on protein structure and function (PolyPhen-2) suggests that this variant is likely to be tolerated. In summary, the available evidence is currently insufficient to determine the role of this variant in disease. Therefore, it has been classified as a Variant of Uncertain Significance.

Blueprint Genetics
Classification: Uncertain significance. Last evaluated: 2023-04-26. Review status: criteria provided, single submitter. Criteria: ACMG Guidelines, 2015. Collection method: clinical testing. Allele origin: germline.

NM_015932.6(POMP):c.94C>T (p.Arg32Trp)

Gene: POMP (proteasome maturation protein; plus strand). Cytogenetic location: 13q12.3.
Variant type: single nucleotide variant.
Coding change: c.94C>T on transcript NM_015932.6 (MANE Select); coding-DNA position 94, C replaced by T.
Protein change: p.Arg32Trp; replaces arginine 32 with tryptophan.
Molecular consequence: missense variant.
Genome position (GRCh38, 1-based): chr13:28,662,500, C>T. VCF-style: chr13-28662500-C-T. GRCh37 (hg19) VCF-style: chr13-29236637-C-T.
Other names: short protein forms R32W.
Identifiers: ClinVar variation 2975427 (VCV002975427.4), dbSNP rs770153653, ClinGen allele CA6931008.